The following is an entry in ClinVar:

NM_000384.3(APOB):c.13210G>A (p.Glu4404Lys)

Gene: APOB (apolipoprotein B; minus strand). Cytogenetic location: 2p24.1.
Variant type: single nucleotide variant.
Coding change: c.13210G>A on transcript NM_000384.3 (MANE Select); coding-DNA position 13210, G replaced by A.
Protein change: p.Glu4404Lys; replaces glutamic acid 4404 with lysine.
Molecular consequence: missense variant.
Genome position (GRCh38, 1-based): chr2:21,002,212, C>T on the plus strand (G>A on the coding strand, the complement: APOB is on the minus strand). VCF-style: chr2-21002212-C-T. GRCh37 (hg19) VCF-style: chr2-21225084-C-T.
Other names: c.13210G>A (NM_000384.2); short protein forms E4404K.
Identifiers: ClinVar variation 1998548 (VCV001998548.5), dbSNP rs2465348348, ClinGen allele CA345968443.

ClinVar aggregate classification (germline): Uncertain significance. Review status: criteria provided, multiple submitters, no conflicts (2 of 4 stars). 2 submissions from 2 submitters: Uncertain significance (2). Last evaluated 2025-08-30.

Conditions:
Familial hypobetalipoproteinemia 1. Also called: Hypobetalipoproteinemia, normotriglyceridemic; Acanthocytosis with hypobetalipoproteinemia; APOB-Related Familial Hypobetalipoproteinemia. Identifiers: MedGen C4551990, MONDO:0014252, OMIM 615558.
Hypercholesterolemia, autosomal dominant, type B (FHCL2). Also called: Familial Hypercholesterolemia Type B; APOLIPOPROTEIN B-100, FAMILIAL DEFECTIVE; APOLIPOPROTEIN B-100, FAMILIAL LIGAND-DEFECTIVE; HYPERCHOLESTEROLEMIA, FAMILIAL, DUE TO LIGAND-DEFECTIVE APOLIPOPROTEIN B; Hyperlipoproteinemia Type IIb; APOB-Related Familial Hypercholesterolemia, Autosomal Dominant. Identifiers: MedGen C1704417, MONDO:0007751, OMIM 144010.
Cardiovascular phenotype. Identifiers: MedGen CN230736.

Allele frequency attached by ClinVar (database versions not stated): gnomAD exomes below 0.00001.
gnomAD v4.1: 2 of 1,613,974 alleles (0.00012%); highest among the groups gnomAD compares: Non-Finnish European, 0.00017%; no homozygotes.

Submissions (2):

Ambry Genetics
Classification: Uncertain significance for Cardiovascular phenotype. Last evaluated: 2025-08-30. Review status: criteria provided, single submitter. Criteria: Ambry Variant Classification Scheme 2023. Collection method: clinical testing. Allele origin: germline.
Comment: The p.E4404K variant (also known as c.13210G>A), located in coding exon 29 of the APOB gene, results from a G to A substitution at nucleotide position 13210. The glutamic acid at codon 4404 is replaced by lysine, an amino acid with similar properties. This amino acid position is conserved. In addition, the in silico prediction for this alteration is inconclusive. Based on the available evidence, the clinical significance of this variant remains unclear.

Labcorp Genetics (formerly Invitae), Labcorp
Classification: Uncertain significance for Familial hypobetalipoproteinemia 1; Hypercholesterolemia, autosomal dominant, type B. Last evaluated: 2022-05-25. Review status: criteria provided, single submitter. Criteria: Invitae Variant Classification Sherloc (09022015). Collection method: clinical testing. Allele origin: germline.
Comment: This variant has not been reported in the literature in individuals affected with APOB-related conditions. This variant is not present in population databases (gnomAD no frequency). This sequence change replaces glutamic acid, which is acidic and polar, with lysine, which is basic and polar, at codon 4404 of the APOB protein (p.Glu4404Lys). Algorithms developed to predict the effect of missense changes on protein structure and function are either unavailable or do not agree on the potential impact of this missense change (SIFT: "Deleterious"; PolyPhen-2: "Benign"; Align-GVGD: "Class C0"). In summary, the available evidence is currently insufficient to determine the role of this variant in disease. Therefore, it has been classified as a Variant of Uncertain Significance.